The following is an entry in ClinVar:

NM_021620.4(PRDM13):c.488G>C (p.Ser163Thr)

Gene: PRDM13 (PR/SET domain 13; plus strand). Cytogenetic location: 6q16.2.
Variant type: single nucleotide variant.
Coding change: c.488G>C on transcript NM_021620.4 (MANE Select); coding-DNA position 488, G replaced by C.
Protein change: p.Ser163Thr; replaces serine 163 with threonine.
Molecular consequence: missense variant.
Genome position (GRCh38, 1-based): chr6:99,613,123, G>C. VCF-style: chr6-99613123-G-C. GRCh37 (hg19) VCF-style: chr6-100060999-G-C.
Other names: c.488G>C (NM_021620.3); short protein forms S163T.
Identifiers: ClinVar variation 1167633 (VCV001167633.13), dbSNP rs200937927, ClinGen allele CA3936219.
Genomic context (GRCh38, chr6:99,613,123, plus strand): 5'-GGAGGACGTTTAGATACCCCAACAGCCTTAAGGCACACCTGCGTTTCCACTGCGTGTTCA[G>C]CGGCGGTGGAGGCGGCGCCTTCCTGCACCACGAACACGCGGCTCGCCAAGGCGCCGTCCC-3'
Protein context (NP_067633.2, residues 153-173): KAHLRFHCVF[Ser163Thr]GGGGGAFLHH

ClinVar aggregate classification (germline): Benign/Likely benign. Review status: criteria provided, multiple submitters, no conflicts (2 of 4 stars). 4 submissions from 4 submitters: Benign (1); Likely benign (2). 1 of the submissions does not count toward it. Last evaluated 2026-07-01.

Conditions:
PRDM13-related disorder. Also called: PRDM13-related condition.

Allele frequency attached by ClinVar (database versions not stated): gnomAD exomes 0.00019 and 0.00092; 1000 Genomes Project 0.00040; 1000 Genomes Project 30x 0.00047; ExAC 0.00053; gnomAD 0.00102 and 0.00103; TOPMed 0.00109.
gnomAD v4.1: 422 of 1,613,472 alleles (0.026%); highest among the groups gnomAD compares: Admixed American, 0.69%; 6 homozygotes.

Submissions (4):

CeGaT Center for Human Genetics Tuebingen
Classification: Likely benign. Last evaluated: 2026-07-01. Review status: criteria provided, single submitter. Criteria: CeGaT Center For Human Genetics Tuebingen Variant Classification Criteria Version 2. Collection method: clinical testing. Allele origin: germline. Affected: yes. Observed: 1 variant allele.
Comment: PRDM13: BS1

Labcorp Genetics (formerly Invitae), Labcorp
Classification: Benign. Last evaluated: 2025-12-14. Review status: criteria provided, single submitter. Criteria: Invitae Variant Classification Sherloc (09022015). Collection method: clinical testing. Allele origin: germline.

Blueprint Genetics
Classification: Likely benign. Last evaluated: 2024-09-11. Review status: criteria provided, single submitter. Criteria: ACMG Guidelines, 2015. Collection method: clinical testing. Allele origin: germline.

PreventionGenetics, part of Exact Sciences
Classification: Likely benign for PRDM13-related condition. Last evaluated: 2019-10-25. Review status: no assertion criteria provided. Collection method: clinical testing. Allele origin: germline. Not counted in ClinVar's aggregate classification.
Comment: This variant is classified as likely benign based on ACMG/AMP sequence variant interpretation guidelines (Richards et al. 2015 PMID: 25741868, with internal and published modifications).